The following is an entry in ClinVar:

NM_014915.3(ANKRD26):c.4979T>C (p.Ile1660Thr)

Gene: ANKRD26 (ankyrin repeat domain containing 26; minus strand). Cytogenetic location: 10p12.1.
Variant type: single nucleotide variant.
Coding change: c.4979T>C on transcript NM_014915.3 (MANE Select); coding-DNA position 4979, T replaced by C.
Protein change: p.Ile1660Thr; replaces isoleucine 1660 with threonine.
Molecular consequence: missense variant.
Genome position (GRCh38, 1-based): chr10:27,006,937, A>G on the plus strand (T>C on the coding strand, the complement: ANKRD26 is on the minus strand). VCF-style: chr10-27006937-A-G. GRCh37 (hg19) VCF-style: chr10-27295866-A-G.
Other names: c.4976T>C, p.Ile1659Thr (NM_001256053.2); short protein forms I1659T, I1660T.
Identifiers: ClinVar variation 3395647 (VCV003395647.1).
Genomic context (GRCh38, chr10:27,006,937, plus strand): 5'-TAATTAATCTAAATTTAATTCATGAAGTTTGGCAACATACCTTCTTTGAGTTCTCTAGTT[A>G]TATTTTTTTCCAACTCCTGCTGCATCTGAAAAAAGTCAAATGTTATTTATAATGTTTAAG-3'
Protein context (NP_055730.2, residues 1650-1670): SKMQQELEKN[Ile1660Thr]TRELKEAAAE

ClinVar aggregate classification (germline): Uncertain significance (1 of 4 stars; one submission).

Conditions:
Inborn genetic diseases. Identifiers: MedGen C0950123, MeSH D030342.

Submission:

Ambry Genetics
Classification: Uncertain significance for Inborn genetic diseases. Last evaluated: 2024-10-02. Review status: criteria provided, single submitter. Criteria: Ambry Variant Classification Scheme 2023. Collection method: clinical testing. Allele origin: germline.
Comment: The p.I1660T variant (also known as c.4979T>C), located in coding exon 33 of the ANKRD26 gene, results from a T to C substitution at nucleotide position 4979. The isoleucine at codon 1660 is replaced by threonine, an amino acid with similar properties. This amino acid position is conserved. In addition, this alteration is predicted to be tolerated by in silico analysis. Based on the available evidence, the clinical significance of this variant remains unclear.